The following is an entry in ClinVar:

ClinVar aggregate classification (germline): Uncertain significance (1 of 4 stars; one submission).

Allele frequency attached by ClinVar (database versions not stated): gnomAD exomes below 0.00001.

Submission:

GeneDx
Classification: Uncertain significance. Last evaluated: 2018-04-09. Review status: criteria provided, single submitter. Criteria: GeneDx Variant Classification (06012015). Collection method: clinical testing. Allele origin: germline. Affected: yes.
Comment: A variant of uncertain significance has been identified in the TTN gene. The R8061X variant has notbeen published as a pathogenic variant, nor has it been reported as a benign variant to our knowledge. This variant is predicted to cause loss of normal protein function either through protein truncation ornonsense-mediated mRNA decay. However, the R8061X variant is not located in the A-band nor theM-line region of titin, where the majority of pathogenic truncating variants have been reported. Thisvariant is not observed in large population cohorts (Lek et al., 2016). Therefore, based on thecurrently available information, it is unclear whether this variant is a pathogenic variant or a rarebenign variant.

NM_001267550.2(TTN):c.27913C>T (p.Arg9305Ter)

Gene: TTN (titin; minus strand). Cytogenetic location: 2q31.2.
Variant type: single nucleotide variant.
Coding change: c.27913C>T on transcript NM_001267550.2 (MANE Select); coding-DNA position 27913, C replaced by T.
Protein change: p.Arg9305Ter; replaces arginine 9305 with a stop codon.
Molecular consequence: nonsense. On other transcripts: intron variant (3).
Genome position (GRCh38, 1-based): chr2:178,711,323, G>A on the plus strand (C>T on the coding strand, the complement: TTN is on the minus strand). VCF-style: chr2-178711323-G-A. GRCh37 (hg19) VCF-style: chr2-179576050-G-A.
Other names: c.26962C>T, p.Arg8988Ter (NM_001256850.1); c.24181C>T, p.Arg8061Ter (NM_133378.4); c.13282+26759C>T (NM_003319.4); c.13858+26759C>T (NM_133437.4); c.13657+26759C>T (NM_133432.3); short protein forms R8988*, R9305*, R8061*.
Identifiers: ClinVar variation 523863 (VCV000523863.2), dbSNP rs1553889325, ClinGen allele CA349443305.